The following is an entry in ClinVar:

ClinVar aggregate classification (germline): Uncertain significance (1 of 4 stars; one submission).

Conditions:
Developmental and epileptic encephalopathy, 12 (DEE12). Identifiers: MedGen C3150988, MONDO:0013389, OMIM 613722.

Allele frequency attached by ClinVar (database versions not stated): gnomAD below 0.00001 and 0.00007; TOPMed below 0.00001; ExAC 0.00021; 1000 Genomes Project 30x 0.00062; 1000 Genomes Project 0.00080.
gnomAD v4.1: 130 of 1,613,888 alleles (0.0081%); highest among the groups gnomAD compares: South Asian, 0.14%; no homozygotes.

Submission:

Labcorp Genetics (formerly Invitae), Labcorp
Classification: Uncertain significance for Developmental and epileptic encephalopathy, 12. Last evaluated: 2022-07-26. Review status: criteria provided, single submitter. Criteria: Invitae Variant Classification Sherloc (09022015). Collection method: clinical testing. Allele origin: germline.
Comment: This sequence change replaces leucine, which is neutral and non-polar, with isoleucine, which is neutral and non-polar, at codon 944 of the PLCB1 protein (p.Leu944Ile). This variant is present in population databases (rs561685256, gnomAD 0.1%). This variant has not been reported in the literature in individuals affected with PLCB1-related conditions. ClinVar contains an entry for this variant (Variation ID: 1011322). Algorithms developed to predict the effect of missense changes on protein structure and function are either unavailable or do not agree on the potential impact of this missense change (SIFT: "Tolerated"; PolyPhen-2: "Possibly Damaging"; Align-GVGD: "Class C0"). In summary, the available evidence is currently insufficient to determine the role of this variant in disease. Therefore, it has been classified as a Variant of Uncertain Significance.

NM_015192.4(PLCB1):c.2830C>A (p.Leu944Ile)

Gene: PLCB1 (phospholipase C beta 1; plus strand). Cytogenetic location: 20p12.3.
Variant type: single nucleotide variant.
Coding change: c.2830C>A on transcript NM_015192.4 (MANE Select); coding-DNA position 2830, C replaced by A.
Protein change: p.Leu944Ile; replaces leucine 944 with isoleucine.
Molecular consequence: missense variant.
Genome position (GRCh38, 1-based): chr20:8,765,258, C>A. VCF-style: chr20-8765258-C-A. GRCh37 (hg19) VCF-style: chr20-8745905-C-A.
Other names: c.2830C>A, p.Leu944Ile (NM_182734.3); short protein forms L944I.
Identifiers: ClinVar variation 1011322 (VCV001011322.4), dbSNP rs561685256, ClinGen allele CA9760389.